The following is an entry in ClinVar:

ClinVar aggregate classification (germline): Uncertain significance (1 of 4 stars; one submission).

Allele frequency attached by ClinVar (database versions not stated): gnomAD exomes below 0.00001; ExAC 0.00001.

Submission:

Labcorp Genetics (formerly Invitae), Labcorp
Classification: Uncertain significance. Last evaluated: 2022-11-28. Review status: criteria provided, single submitter. Criteria: Invitae Variant Classification Sherloc (09022015). Collection method: clinical testing. Allele origin: germline.
Comment: This sequence change replaces glycine, which is neutral and non-polar, with arginine, which is basic and polar, at codon 45 of the TIMM50 protein (p.Gly45Arg). This variant is present in population databases (rs772755683, gnomAD 0.003%). This variant has not been reported in the literature in individuals affected with TIMM50-related conditions. Algorithms developed to predict the effect of missense changes on protein structure and function output the following: SIFT: "Not Available"; PolyPhen-2: "Benign"; Align-GVGD: "Not Available". The arginine amino acid residue is found in multiple mammalian species, which suggests that this missense change does not adversely affect protein function. In summary, the available evidence is currently insufficient to determine the role of this variant in disease. Therefore, it has been classified as a Variant of Uncertain Significance.

NC_000019.10:g.39480677G>A

Gene: TIMM50 (translocase of inner mitochondrial membrane 50; plus strand). Cytogenetic location: 19q13.2.
Variant type: single nucleotide variant.
Genome position: GRCh38 VCF-style: chr19-39480677-G-A. GRCh37 (hg19) VCF-style: chr19-39971317-G-A.
Identifiers: ClinVar variation 2116067 (VCV002116067.4), dbSNP rs772755683, ClinGen allele CA9431562.